The following is an entry in ClinVar:

ClinVar aggregate classification (germline): Benign/Likely benign. Review status: criteria provided, multiple submitters, no conflicts (2 of 4 stars). 4 submissions from 4 submitters: Benign (1); Likely benign (3). Last evaluated 2026-01-26.

Conditions:
Leukoencephalopathy-thalamus and brainstem anomalies-high lactate syndrome. Also called: LEUKOENCEPHALOPATHY WITH THALAMUS AND BRAINSTEM INVOLVEMENT AND HIGH LACTATE; Combined oxidative phosphorylation deficiency 12. Identifiers: Orphanet 314051, MedGen C4706421, MONDO:0013971, OMIM 614924.

Allele frequency attached by ClinVar (database versions not stated): ExAC 0.00073; 1000 Genomes Project 30x 0.00125; 1000 Genomes Project 0.00140; gnomAD 0.00145 and 0.00162; TOPMed 0.00164; ESP Exome Variant Server 0.00182.
gnomAD v4.1: 548 of 1,610,942 alleles (0.034%); highest among the groups gnomAD compares: African/African-American, 0.44%; 1 homozygote.

Submissions (4):

Labcorp Genetics (formerly Invitae), Labcorp
Classification: Benign. Last evaluated: 2026-01-26. Review status: criteria provided, single submitter. Criteria: Invitae Variant Classification Sherloc (09022015). Collection method: clinical testing. Allele origin: germline.

Blueprint Genetics
Classification: Likely benign. Last evaluated: 2024-10-18. Review status: criteria provided, single submitter. Criteria: ACMG Guidelines, 2015. Collection method: clinical testing. Allele origin: germline.

GeneDx
Classification: Likely benign. Last evaluated: 2021-05-27. Review status: criteria provided, single submitter. Criteria: GeneDx Variant Classification Process June 2021. Collection method: clinical testing. Allele origin: germline. Affected: yes.

Illumina Laboratory Services, Illumina
Classification: Likely benign for Leukoencephalopathy-thalamus and brainstem anomalies-high lactate syndrome. Last evaluated: 2018-01-13. Review status: criteria provided, single submitter. Criteria: ICSL Variant Classification Criteria 13 December 2019. Collection method: clinical testing. Allele origin: germline.
Comment: This variant was observed in the ICSL laboratory as part of a predisposition screen in an ostensibly healthy population. It had not been previously curated by ICSL or reported in the Human Gene Mutation Database (HGMD: prior to June 1st, 2018), and was therefore a candidate for classification through an automated scoring system. Utilizing variant allele frequency, disease prevalence and penetrance estimates, and inheritance mode, an automated score was calculated to assess if this variant is too frequent to cause the disease. Based on the score and internal cut-off values, a variant classified as likely benign is not then subjected to further curation. The score for this variant resulted in a classification of likely benign for this disease.

NM_001083614.2(EARS2):c.813C>T (p.Phe271=)

Gene: EARS2 (glutamyl-tRNA synthetase 2, mitochondrial; minus strand). Cytogenetic location: 16p12.2.
Variant type: single nucleotide variant.
Coding change: c.813C>T on transcript NM_001083614.2 (MANE Select); coding-DNA position 813, C replaced by T.
Protein change: p.Phe271=; no amino-acid change (phenylalanine 271 retained).
Molecular consequence: synonymous variant. On other transcripts: non-coding transcript variant (1).
Genome position (GRCh38, 1-based): chr16:23,535,033, G>A on the plus strand (C>T on the coding strand, the complement: EARS2 is on the minus strand). VCF-style: chr16-23535033-G-A. GRCh37 (hg19) VCF-style: chr16-23546354-G-A.
Other names: c.813C>T, p.Phe271= (NM_001308211.1).
Identifiers: ClinVar variation 380296 (VCV000380296.18), dbSNP rs149664520, ClinGen allele CA7962502.